The following is an entry in ClinVar:

NM_207037.2(TCF12):c.734G>C (p.Ser245Thr)

Gene: TCF12 (transcription factor 12; plus strand). Cytogenetic location: 15q21.3.
Variant type: single nucleotide variant.
Coding change: c.734G>C on transcript NM_207037.2 (MANE Select); coding-DNA position 734, G replaced by C.
Protein change: p.Ser245Thr; replaces serine 245 with threonine.
Molecular consequence: missense variant. On other transcripts: intron variant (1).
Genome position (GRCh38, 1-based): chr15:57,232,339, G>C. VCF-style: chr15-57232339-G-C. GRCh37 (hg19) VCF-style: chr15-57524537-G-C.
Other names: c.224G>C, p.Ser75Thr (NM_001306219.3, NM_207040.2); c.734G>C, p.Ser245Thr (NM_001322151.2, NM_001322152.2, NM_001322157.3 and 7 more transcripts); c.77G>C, p.Ser26Thr (NM_001322154.2); c.560G>C, p.Ser187Thr (NM_001322156.2, NM_001322158.2); c.770G>C, p.Ser257Thr (NM_001322164.2); c.118-373G>C (NM_001306220.3); short protein forms S187T, S245T, S257T, S26T, S75T.
Identifiers: ClinVar variation 2579773 (VCV002579773.1), dbSNP rs2551443462, ClinGen allele CA392592117.
Genomic context (GRCh38, chr15:57,232,339, plus strand): 5'-TTTTTGTCTTAGATGGGACCCACAATTCTTCTGACCTTTGGAGTTCATCAAATGGGATGA[G>C]CCAGCCTGGTTTTGGTGGAATTCTGGGGACCTCCACTTCCCACATGTCTCAATCCAGTAG-3'
Protein context (NP_996920.1, residues 235-255): SDLWSSSNGM[Ser245Thr]QPGFGGILGT

ClinVar aggregate classification (germline): Uncertain significance (1 of 4 stars; one submission).

Allele frequency attached by ClinVar (database versions not stated): gnomAD exomes below 0.00001.
gnomAD v4.1: 1 of 1,614,024 alleles (0.000062%); highest among the groups gnomAD compares: Non-Finnish European, 0.000085%; no homozygotes.

Submission:

GeneDx
Classification: Uncertain significance. Last evaluated: 2023-03-12. Review status: criteria provided, single submitter. Criteria: GeneDx Variant Classification Process June 2021. Collection method: clinical testing. Allele origin: germline. Affected: yes.
Comment: Not observed at significant frequency in large population cohorts (gnomAD); In silico analysis supports that this missense variant does not alter protein structure/function; Has not been previously published as pathogenic or benign to our knowledge